The following is an entry in ClinVar:

ClinVar aggregate classification (germline): Uncertain significance (1 of 4 stars; one submission).

Conditions:
Neurodevelopmental disorder with or without variable brain abnormalities; NEDBA. Also called: NEURODEVELOPMENTAL DISORDER WITH OR WITHOUT VARIABLE BRAIN ABNORMALITIES. Identifiers: MedGen C5193102, MONDO:0032755, OMIM 618443.

gnomAD v4.1: 1 of 1,576,364 alleles (0.000063%); highest among the groups gnomAD compares: Non-Finnish European, 0.000086%; no homozygotes.

Submission:

Neuberg Centre For Genomic Medicine, NCGM
Classification: Uncertain significance for Neurodevelopmental disorder with or without variable brain abnormalities; NEDBA. Last evaluated: 2023-06-22. Review status: criteria provided, single submitter. Criteria: ACMG Guidelines, 2015. Collection method: clinical testing. Allele origin: germline. Inheritance: Autosomal dominant inheritance. Affected: yes.
Comment: The missense c.1552A>G (p.Met518Val) variant in the MAPK8IP3 gene has not been reported previously as a pathogenic variant nor as a benign variant, to our knowledge. This variant is reported with the allele frequency (0.0005%) in the gnomAD Exomes. The amino acid Methionine at position 518 is changed to a Valine changing protein sequence and it might alter its composition and physico-chemical properties. Computational evidence (Polyphen - Benign, SIFT - Tolerated and MutationTaster - Disease causing/Polymorphism) predicts conflicting evidence on protein structure and function for this variant. The amino acid Methionine in MAPK8IP3 is predicted as conserved by GERP++ and PhyloP across 100 vertebrates. For these reasons, this variant has been classified as Uncertain Significance.

NM_001318852.2(MAPK8IP3):c.1552A>G (p.Met518Val)

Gene: MAPK8IP3 (mitogen-activated protein kinase 8 interacting protein 3; plus strand). Cytogenetic location: 16p13.3.
Variant type: single nucleotide variant.
Coding change: c.1552A>G on transcript NM_001318852.2 (MANE Select); coding-DNA position 1552, A replaced by G.
Protein change: p.Met518Val; replaces methionine 518 with valine.
Molecular consequence: missense variant.
Genome position (GRCh38, 1-based): chr16:1,762,363, A>G. VCF-style: chr16-1762363-A-G. GRCh37 (hg19) VCF-style: chr16-1812364-A-G.
Other names: c.1531A>G, p.Met511Val (NM_001040439.2); c.1549A>G, p.Met517Val (NM_015133.5); short protein forms M511V, M517V, M518V.
Identifiers: ClinVar variation 3377538 (VCV003377538.1).